The following is an entry in ClinVar:

NM_138694.4(PKHD1):c.9402G>A (p.Lys3134=)

Gene: PKHD1 (PKHD1 ciliary IPT domain containing fibrocystin/polyductin; minus strand). Cytogenetic location: 6p12.3.
Variant type: single nucleotide variant.
Coding change: c.9402G>A on transcript NM_138694.4 (MANE Select); coding-DNA position 9402, G replaced by A.
Protein change: p.Lys3134=; no amino-acid change (lysine 3134 retained).
Molecular consequence: synonymous variant.
Genome position (GRCh38, 1-based): chr6:51,748,214, C>T on the plus strand (G>A on the coding strand, the complement: PKHD1 is on the minus strand). VCF-style: chr6-51748214-C-T. GRCh37 (hg19) VCF-style: chr6-51613012-C-T.
Other names: c.9402G>A, p.Lys3134= (NM_170724.3).
Identifiers: ClinVar variation 357418 (VCV000357418.40), dbSNP rs143737660, ClinGen allele CA3851394.

ClinVar aggregate classification (germline): Conflicting classifications of pathogenicity. Review status: criteria provided, conflicting classifications (1 of 4 stars). 11 submissions from 11 submitters: Uncertain significance (2); Likely benign (8). 1 of the submissions does not count toward it. Last evaluated 2026-01-31.

Conditions:
Inborn genetic diseases. Identifiers: MedGen C0950123, MeSH D030342.
Autosomal recessive polycystic kidney disease (ARPKD). Also called: AR polycystic kidney disease. Identifiers: Orphanet 731, Orphanet 8378, MedGen C0085548, MeSH D017044, MONDO:0009889.
Polycystic kidney disease 4 (PKD4). Also called: POLYCYSTIC KIDNEY DISEASE 4 WITH OR WITHOUT POLYCYSTIC LIVER DISEASE; Autosomal Recessive Polycystic Kidney Disease – PKHD1; POLYCYSTIC KIDNEY AND HEPATIC DISEASE 1; POLYCYSTIC KIDNEY DISEASE, INFANTILE, TYPE I; PKD3. Identifiers: MedGen C4540575, MONDO:0033004, OMIM 263200.

Allele frequency attached by ClinVar (database versions not stated): ESP Exome Variant Server 0.00015; 1000 Genomes Project 30x 0.00016; 1000 Genomes Project 0.00020; TOPMed 0.00032; gnomAD 0.00038; gnomAD exomes 0.00041; ExAC 0.00047.
gnomAD v4.1: 482 of 1,614,046 alleles (0.03%); highest among the groups gnomAD compares: Middle Eastern, 0.33%; 1 homozygote.

Submissions (11):

Labcorp Genetics (formerly Invitae), Labcorp
Classification: Likely benign for Autosomal recessive polycystic kidney disease. Last evaluated: 2026-01-31. Review status: criteria provided, single submitter. Criteria: Invitae Variant Classification Sherloc (09022015). Collection method: clinical testing. Allele origin: germline.

CeGaT Center for Human Genetics Tuebingen
Classification: Likely benign. Last evaluated: 2025-11-01. Review status: criteria provided, single submitter. Criteria: CeGaT Center For Human Genetics Tuebingen Variant Classification Criteria Version 2. Collection method: clinical testing. Allele origin: germline. Affected: yes. Observed: 2 variant alleles.
Comment: PKHD1: BP4, BP7

Ambry Genetics
Classification: Likely benign for Inborn genetic diseases. Last evaluated: 2025-08-06. Review status: criteria provided, single submitter. Criteria: Ambry Variant Classification Scheme 2023. Collection method: clinical testing. Allele origin: germline.

Blueprint Genetics
Classification: Likely benign. Last evaluated: 2024-11-27. Review status: criteria provided, single submitter. Criteria: ACMG Guidelines, 2015. Collection method: clinical testing. Allele origin: germline.

Genome-Nilou Lab
Classification: Likely benign for Polycystic kidney disease 4. Last evaluated: 2021-05-18. Review status: criteria provided, single submitter. Criteria: ACMG Guidelines, 2015. Collection method: clinical testing. Allele origin: germline. Affected: no.

Pars Genome Lab
Classification: Likely benign for Polycystic kidney disease 4. Last evaluated: 2021-05-18. Review status: criteria provided, single submitter. Criteria: ACMG Guidelines, 2015. Collection method: clinical testing. Allele origin: germline. Affected: no.

GeneDx
Classification: Likely benign. Last evaluated: 2019-10-11. Review status: criteria provided, single submitter. Criteria: GeneDx Variant Classification Process June 2021. Collection method: clinical testing. Allele origin: germline. Affected: yes.
Comment: This variant is associated with the following publications: (PMID: 15805161)

Women's Health and Genetics/Laboratory Corporation of America, LabCorp
Classification: Likely benign. Last evaluated: 2019-08-29. Review status: criteria provided, single submitter. Criteria: LabCorp Variant Classification Summary - May 2015. Collection method: clinical testing. Allele origin: germline.

Illumina Laboratory Services, Illumina
Classification: Uncertain significance for Polycystic kidney disease 4. Last evaluated: 2018-01-12. Review status: criteria provided, single submitter. Criteria: ICSL Variant Classification Criteria 13 December 2019. Collection method: clinical testing. Allele origin: germline.

Eurofins Ntd Llc (ga)
Classification: Uncertain significance. Last evaluated: 2016-11-16. Review status: criteria provided, single submitter. Criteria: EGL Classification Definitions 2015. Collection method: clinical testing. Allele origin: germline. Observed: 5 variant alleles, 5 heterozygotes.

Natera, Inc.
Classification: Likely benign for Autosomal recessive polycystic kidney disease. Last evaluated: 2017-10-17. Review status: no assertion criteria provided. Collection method: clinical testing. Allele origin: germline. Not counted in ClinVar's aggregate classification.